The following is an entry in ClinVar:

NM_005228.5(EGFR):c.967G>A (p.Val323Ile)

Gene: EGFR (epidermal growth factor receptor; plus strand). Cytogenetic location: 7p11.2.
Variant type: single nucleotide variant.
Coding change: c.967G>A on transcript NM_005228.5 (MANE Select); coding-DNA position 967, G replaced by A.
Protein change: p.Val323Ile; replaces valine 323 with isoleucine.
Molecular consequence: missense variant.
Genome position (GRCh38, 1-based): chr7:55,155,907, G>A. VCF-style: chr7-55155907-G-A. GRCh37 (hg19) VCF-style: chr7-55223600-G-A.
Other names: c.832G>A, p.Val278Ile (NM_001346897.2, NM_001346899.2); c.967G>A, p.Val323Ile (NM_001346898.2, NM_201282.2, NM_201283.2 and 1 more transcripts); c.808G>A, p.Val270Ile (NM_001346900.2); c.166G>A, p.Val56Ile (NM_001346941.2); c.967G>A (NM_005228.3); short protein forms V278I, V323I, V270I, V56I.
Identifiers: ClinVar variation 1045310 (VCV001045310.9), dbSNP rs761844164, ClinGen allele CA4265422.
Genomic context (GRCh38, chr7:55,155,907, plus strand): 5'-GATCACGGCTCGTGCGTCCGAGCCTGTGGGGCCGACAGCTATGAGATGGAGGAAGACGGC[G>A]TCCGCAAGTGTAAGAAGTGCGAAGGGCCTTGCCGCAAAGGTAGGAAGCCCGCCGGTGTGC-3'
Protein context (NP_005219.2, residues 313-333): ADSYEMEEDG[Val323Ile]RKCKKCEGPC

ClinVar aggregate classification (germline): Conflicting classifications of pathogenicity. Review status: criteria provided, conflicting classifications (1 of 4 stars). 2 submissions from 2 submitters: Uncertain significance (1); Likely benign (1). Last evaluated 2024-12-23.

Conditions:
Hereditary cancer-predisposing syndrome. Also called: Hereditary Cancer Syndrome; Tumor predisposition; Hereditary neoplastic syndrome; Neoplastic Syndromes, Hereditary. Identifiers: Orphanet 140162, MedGen C0027672, MeSH D009386, MONDO:0015356.
EGFR-related lung cancer (EGFR). Identifiers: MedGen CN130014.

Allele frequency attached by ClinVar (database versions not stated): gnomAD below 0.00001 and 0.00001; ExAC 0.00001; gnomAD exomes 0.00001; TOPMed 0.00001.
gnomAD v4.1: 6 of 1,613,914 alleles (0.00037%); highest among the groups gnomAD compares: South Asian, 0.0044%; no homozygotes.

Submissions (2):

Ambry Genetics
Classification: Likely benign for Hereditary cancer-predisposing syndrome. Last evaluated: 2024-12-23. Review status: criteria provided, single submitter. Criteria: Ambry Variant Classification Scheme 2023. Collection method: clinical testing. Allele origin: germline.

Labcorp Genetics (formerly Invitae), Labcorp
Classification: Uncertain significance for EGFR-related lung cancer. Last evaluated: 2024-12-02. Review status: criteria provided, single submitter. Criteria: Invitae Variant Classification Sherloc (09022015). Collection method: clinical testing. Allele origin: germline.
Comment: This sequence change replaces valine, which is neutral and non-polar, with isoleucine, which is neutral and non-polar, at codon 323 of the EGFR protein (p.Val323Ile). This variant is present in population databases (rs761844164, gnomAD 0.003%). This variant has not been reported in the literature in individuals affected with EGFR-related conditions. ClinVar contains an entry for this variant (Variation ID: 1045310). An algorithm developed to predict the effect of missense changes on protein structure and function outputs the following: PolyPhen-2: "Benign". The isoleucine amino acid residue is found in multiple mammalian species, which suggests that this missense change does not adversely affect protein function. In summary, the available evidence is currently insufficient to determine the role of this variant in disease. Therefore, it has been classified as a Variant of Uncertain Significance.